The following is an entry in ClinVar:

ClinVar aggregate classification (germline): Pathogenic (1 of 4 stars; one submission).

Conditions:
Autism spectrum disorder. Also called: Autism spectrum disorders. Identifiers: MedGen C1510586, MeSH D000067877, MONDO:0005258.

Allele frequency attached by ClinVar (database versions not stated): gnomAD exomes below 0.00001.
gnomAD v4.1: 1 of 1,613,538 alleles (0.000062%); highest among the groups gnomAD compares: Non-Finnish European, 0.000085%; no homozygotes.

Submission:

GeneDx
Classification: Pathogenic. Last evaluated: 2025-01-02. Review status: criteria provided, single submitter. Criteria: GeneDx Variant Classification Process June 2021. Collection method: clinical testing. Allele origin: germline. Affected: yes.
Comment: Apparently de novo variant in a patient with autism spectrum disorder in the published literature (PMID: 31526516); Nonsense variant predicted to result in protein truncation or nonsense mediated decay in a gene for which loss of function is a known mechanism of disease; Not observed at significant frequency in large population cohorts (gnomAD); This variant is associated with the following publications: (PMID: 33057194, 36731504, 35982159, 34088660, 33004838, 30107084, 38113761, 35468861, 31526516)

NM_001170629.2(CHD8):c.2854C>T (p.Arg952Ter)

Gene: CHD8 (chromodomain helicase DNA binding protein 8; minus strand). Cytogenetic location: 14q11.2.
Variant type: single nucleotide variant.
Coding change: c.2854C>T on transcript NM_001170629.2 (MANE Select); coding-DNA position 2854, C replaced by T.
Protein change: p.Arg952Ter; replaces arginine 952 with a stop codon.
Molecular consequence: nonsense.
Genome position (GRCh38, 1-based): chr14:21,406,909, G>A on the plus strand (C>T on the coding strand, the complement: CHD8 is on the minus strand). VCF-style: chr14-21406909-G-A. GRCh37 (hg19) VCF-style: chr14-21875068-G-A.
Other names: c.2017C>T, p.Arg673Ter (NM_020920.4); short protein forms R673*, R952*.
Identifiers: ClinVar variation 429724 (VCV000429724.5), dbSNP rs1131691548, ClinGen allele CA388873929.